The following is an entry in ClinVar:

ClinVar aggregate classification (germline): Uncertain significance (1 of 4 stars; one submission).

Submission:

Ambry Genetics
Classification: Uncertain significance. Last evaluated: 2024-05-31. Review status: criteria provided, single submitter. Criteria: Ambry Variant Classification Scheme 2023. Collection method: clinical testing. Allele origin: germline.
Comment: The p.K280R variant (also known as c.839A>G), located in coding exon 8 of the KIF1B gene, results from an A to G substitution at nucleotide position 839. The lysine at codon 280 is replaced by arginine, an amino acid with highly similar properties. This amino acid position is conserved. In addition, this alteration is predicted to be deleterious by in silico analysis. Based on the available evidence, the clinical significance of this variant remains unclear.

NM_001365951.3(KIF1B):c.839A>G (p.Lys280Arg)

Gene: KIF1B (kinesin family member 1B; plus strand). Cytogenetic location: 1p36.22.
Variant type: single nucleotide variant.
Coding change: c.839A>G on transcript NM_001365951.3 (MANE Select); coding-DNA position 839, A replaced by G.
Protein change: p.Lys280Arg; replaces lysine 280 with arginine.
Molecular consequence: missense variant.
Genome position (GRCh38, 1-based): chr1:10,272,281, A>G. VCF-style: chr1-10272281-A-G. GRCh37 (hg19) VCF-style: chr1-10332339-A-G.
Other names: c.839A>G, p.Lys280Arg (NM_001365952.1, NM_001365953.1, NM_015074.3 and 1 more transcripts); short protein forms K280R.
Identifiers: ClinVar variation 3288472 (VCV003288472.1).
Genomic context (GRCh38, chr1:10,272,281, plus strand): 5'-ATATTTGGTATTTATTTTAGGAAGGAGCAAATATTAATAAGTCTCTTACAACTTTGGGCA[A>G]AGTCATTTCAGCCTTGGCCGAGGTGGTAAGTTTTATACTTCATTATAAGGGGAGTTGTGT-3'
Protein context (NP_001352880.1, residues 270-290): NINKSLTTLG[Lys280Arg]VISALAEVDN